The following is an entry in ClinVar:

NM_152383.5(DIS3L2):c.1418A>C (p.Glu473Ala)

Gene: DIS3L2 (DIS3 like 3'-5' exoribonuclease 2; plus strand). Cytogenetic location: 2q37.1.
Variant type: single nucleotide variant.
Coding change: c.1418A>C on transcript NM_152383.5 (MANE Select); coding-DNA position 1418, A replaced by C.
Protein change: p.Glu473Ala; replaces glutamic acid 473 with alanine.
Molecular consequence: missense variant. On other transcripts: non-coding transcript variant (2).
Genome position (GRCh38, 1-based): chr2:232,249,339, A>C. VCF-style: chr2-232249339-A-C. GRCh37 (hg19) VCF-style: chr2-233114049-A-C.
Other names: c.1418A>C, p.Glu473Ala (NM_001257281.2); short protein forms E473A.
Identifiers: ClinVar variation 1443698 (VCV001443698.8), dbSNP rs766892626, ClinGen allele CA351155560.

ClinVar aggregate classification (germline): Uncertain significance (1 of 4 stars; one submission).

Conditions:
Perlman syndrome (PRLMNS). Identifiers: Orphanet 2849, MedGen C0796113, MONDO:0009965, OMIM 267000.

gnomAD v4.1: 2 of 1,614,042 alleles (0.00012%); highest among the groups gnomAD compares: African/African-American, 0.0027%; no homozygotes.

Submission:

Labcorp Genetics (formerly Invitae), Labcorp
Classification: Uncertain significance for Perlman syndrome. Last evaluated: 2023-02-03. Review status: criteria provided, single submitter. Criteria: Invitae Variant Classification Sherloc (09022015). Collection method: clinical testing. Allele origin: germline.
Comment: ClinVar contains an entry for this variant (Variation ID: 1443698). This sequence change replaces glutamic acid, which is acidic and polar, with alanine, which is neutral and non-polar, at codon 473 of the DIS3L2 protein (p.Glu473Ala). This variant is present in population databases (no rsID available, gnomAD 0.01%). This variant has not been reported in the literature in individuals affected with DIS3L2-related conditions. Advanced modeling of protein sequence and biophysical properties (such as structural, functional, and spatial information, amino acid conservation, physicochemical variation, residue mobility, and thermodynamic stability) performed at Invitae indicates that this missense variant is not expected to disrupt DIS3L2 protein function. In summary, the available evidence is currently insufficient to determine the role of this variant in disease. Therefore, it has been classified as a Variant of Uncertain Significance.